The following is an entry in ClinVar:

ClinVar aggregate classification (germline): Uncertain significance (1 of 4 stars; one submission).

Conditions:
Dilated cardiomyopathy 1O (CMD1O). Also called: CARDIOMYOPATHY, DILATED, WITH VENTRICULAR TACHYCARDIA. Identifiers: Orphanet 154, MedGen C1837839, MONDO:0012062, OMIM 608569.

Submission:

Labcorp Genetics (formerly Invitae), Labcorp
Classification: Uncertain significance for Dilated cardiomyopathy 1O. Last evaluated: 2024-01-22. Review status: criteria provided, single submitter. Criteria: Invitae Variant Classification Sherloc (09022015). Collection method: clinical testing. Allele origin: germline.
Comment: This sequence change replaces threonine, which is neutral and polar, with isoleucine, which is neutral and non-polar, at codon 421 of the ABCC9 protein (p.Thr421Ile). This variant is not present in population databases (gnomAD no frequency). This variant has not been reported in the literature in individuals affected with ABCC9-related conditions. ClinVar contains an entry for this variant (Variation ID: 642464). Advanced modeling of protein sequence and biophysical properties (such as structural, functional, and spatial information, amino acid conservation, physicochemical variation, residue mobility, and thermodynamic stability) has been performed at Invitae for this missense variant, however the output from this modeling did not meet the statistical confidence thresholds required to predict the impact of this variant on ABCC9 protein function. In summary, the available evidence is currently insufficient to determine the role of this variant in disease. Therefore, it has been classified as a Variant of Uncertain Significance.

NM_020297.4(ABCC9):c.1262C>T (p.Thr421Ile)

Gene: ABCC9 (ATP binding cassette subfamily C member 9; minus strand). Cytogenetic location: 12p12.1.
Variant type: single nucleotide variant.
Coding change: c.1262C>T on transcript NM_020297.4 (MANE Select); coding-DNA position 1262, C replaced by T.
Protein change: p.Thr421Ile; replaces threonine 421 with isoleucine.
Molecular consequence: missense variant.
Genome position (GRCh38, 1-based): chr12:21,910,215, G>A on the plus strand (C>T on the coding strand, the complement: ABCC9 is on the minus strand). VCF-style: chr12-21910215-G-A. GRCh37 (hg19) VCF-style: chr12-22063149-G-A.
Other names: c.1262C>T, p.Thr421Ile (NM_001377273.1, NM_005691.4); c.398C>T, p.Thr133Ile (NM_001377274.1); short protein forms T421I, T133I.
Identifiers: ClinVar variation 642464 (VCV000642464.8), dbSNP rs1156794360, ClinGen allele CA384118464.